The following is an entry in ClinVar:

ClinVar aggregate classification (germline): Uncertain significance (1 of 4 stars; one submission).

Submission:

GeneDx
Classification: Uncertain significance. Last evaluated: 2025-07-18. Review status: criteria provided, single submitter. Criteria: GeneDx Variant Classification Process June 2021. Collection method: clinical testing. Allele origin: germline. Affected: yes.
Comment: Not observed at significant frequency in large population cohorts (gnomAD); In silico analysis supports a deleterious effect on splicing; Has not been previously published as pathogenic or benign to our knowledge; Reported using an alternate transcript of the gene

NM_001913.5(CUX1):c.1764+5G>C

Gene: CUX1 (cut like homeobox 1; plus strand). Cytogenetic location: 7q22.1.
Variant type: single nucleotide variant.
Coding change: c.1764+5G>C on transcript NM_001913.5 (MANE Plus Clinical); 5 bases into the intron after coding-DNA position 1764, G replaced by C.
Molecular consequence: intron variant.
Genome position (GRCh38, 1-based): chr7:102,280,125, G>C. VCF-style: chr7-102280125-G-C. GRCh37 (hg19) VCF-style: chr7-101923417-G-C.
Other names: c.1758+5G>C (NM_181500.4); c.1626+5G>C (NM_001202545.3); c.1716+5G>C (NM_001202544.3); c.1647+5G>C (NM_001202546.3).
Identifiers: ClinVar variation 4686474 (VCV004686474.1).